The following is an entry in ClinVar:

ClinVar aggregate classification (germline): Likely benign (1 of 4 stars; one submission).

gnomAD v4.1: 1 of 1,400,340 alleles (0.000071%); highest among the groups gnomAD compares: Non-Finnish European, 0.000093%; no homozygotes.

Submission:

CeGaT Center for Human Genetics Tuebingen
Classification: Likely benign. Last evaluated: 2025-11-01. Review status: criteria provided, single submitter. Criteria: CeGaT Center For Human Genetics Tuebingen Variant Classification Criteria Version 2. Collection method: clinical testing. Allele origin: germline. Affected: yes. Observed: 1 variant allele.
Comment: COLGALT1: BP4, BP7

NM_024656.4(COLGALT1):c.199T>C (p.Leu67=)

Gene: COLGALT1 (collagen beta(1-O)galactosyltransferase 1; plus strand). Cytogenetic location: 19p13.11.
Variant type: single nucleotide variant.
Coding change: c.199T>C on transcript NM_024656.4 (MANE Select); coding-DNA position 199, T replaced by C.
Protein change: p.Leu67=; no amino-acid change (leucine 67 retained).
Molecular consequence: synonymous variant.
Genome position (GRCh38, 1-based): chr19:17,555,912, T>C. VCF-style: chr19-17555912-T-C. GRCh37 (hg19) VCF-style: chr19-17666721-T-C.
Identifiers: ClinVar variation 4534494 (VCV004534494.6).